The following is an entry in ClinVar:

NM_002294.3(LAMP2):c.958T>A (p.Tyr320Asn)

Gene: LAMP2 (lysosome associated membrane protein 2; minus strand). Cytogenetic location: Xq24.
Variant type: single nucleotide variant.
Coding change: c.958T>A on transcript NM_002294.3 (MANE Select); coding-DNA position 958, T replaced by A.
Protein change: p.Tyr320Asn; replaces tyrosine 320 with asparagine.
Molecular consequence: missense variant.
Genome position (GRCh38, 1-based): chrX:120,441,865, A>T on the plus strand (T>A on the coding strand, the complement: LAMP2 is on the minus strand). VCF-style: chrX-120441865-A-T. GRCh37 (hg19) VCF-style: chrX-119575720-A-T.
Other names: c.958T>A, p.Tyr320Asn (NM_001122606.1, NM_013995.2); short protein forms Y320N.
Identifiers: ClinVar variation 863312 (VCV000863312.9), dbSNP rs1271107737, ClinGen allele CA414400180.

ClinVar aggregate classification (germline): Conflicting classifications of pathogenicity. Review status: criteria provided, conflicting classifications (1 of 4 stars). 3 submissions from 3 submitters: Uncertain significance (2); Likely benign (1). Last evaluated 2025-08-20.

Conditions:
Cardiovascular phenotype. Identifiers: MedGen CN230736.
Danon disease. Also called: ANTOPOL DISEASE; PSEUDOGLYCOGENOSIS II; GSD IIb; LYSOSOMAL GLYCOGEN STORAGE DISEASE WITHOUT ACID MALTASE DEFICIENCY; Glycogen Storage Disease Type IIb. Identifiers: Orphanet 34587, MedGen C0878677, MONDO:0010281, OMIM 300257.

Allele frequency attached by ClinVar (database versions not stated): gnomAD 0.00001; TOPMed 0.00001.

Submissions (3):

Ambry Genetics
Classification: Likely benign for Cardiovascular phenotype. Last evaluated: 2025-08-20. Review status: criteria provided, single submitter. Criteria: Ambry Variant Classification Scheme 2023. Collection method: clinical testing. Allele origin: germline.

Fulgent Genetics
Classification: Uncertain significance for Danon disease. Last evaluated: 2021-09-10. Review status: criteria provided, single submitter. Criteria: ACMG Guidelines, 2015. Collection method: clinical testing. Allele origin: unknown.

Labcorp Genetics (formerly Invitae), Labcorp
Classification: Uncertain significance for Danon disease. Last evaluated: 2021-08-31. Review status: criteria provided, single submitter. Criteria: Invitae Variant Classification Sherloc (09022015). Collection method: clinical testing. Allele origin: germline.
Comment: This sequence change replaces tyrosine with asparagine at codon 320 of the LAMP2 protein (p.Tyr320Asn). The tyrosine residue is weakly conserved and there is a large physicochemical difference between tyrosine and asparagine. This variant is not present in population databases (ExAC no frequency). This variant has not been reported in the literature in individuals affected with LAMP2-related conditions. Algorithms developed to predict the effect of missense changes on protein structure and function are either unavailable or do not agree on the potential impact of this missense change (SIFT: "Tolerated"; PolyPhen-2: "Possibly Damaging"; Align-GVGD: "Class C0"). In summary, the available evidence is currently insufficient to determine the role of this variant in disease. Therefore, it has been classified as a Variant of Uncertain Significance.